The following is an entry in ClinVar:

ClinVar aggregate classification (germline): Benign/Likely benign. Review status: criteria provided, multiple submitters, no conflicts (2 of 4 stars). 6 submissions from 6 submitters: Benign (2); Likely benign (3). 1 of the submissions does not count toward it. Last evaluated 2024-10-18.

Conditions:
FOXP2-related disorder. Also called: FOXP2-related condition.
Inborn genetic diseases. Identifiers: MedGen C0950123, MeSH D030342.
Childhood apraxia of speech (SPCH1). Also called: DEVELOPMENTAL VERBAL DYSPRAXIA; SPEECH AND LANGUAGE DISORDER WITH OROFACIAL DYSPRAXIA; FOXP2-Related Speech and Language Disorder; Speech language disorder. Identifiers: Orphanet 209908, MedGen C0750927, MONDO:0011184, OMIM 602081.

Submissions (6):

Blueprint Genetics
Classification: Likely benign. Last evaluated: 2024-10-18. Review status: criteria provided, single submitter. Criteria: ACMG Guidelines, 2015. Collection method: clinical testing. Allele origin: germline.

Fulgent Genetics
Classification: Likely benign for Childhood apraxia of speech. Last evaluated: 2021-08-20. Review status: criteria provided, single submitter. Criteria: ACMG Guidelines, 2015. Collection method: clinical testing. Allele origin: unknown.

Labcorp Genetics (formerly Invitae), Labcorp
Classification: Benign. Last evaluated: 2019-12-31. Review status: criteria provided, single submitter. Criteria: Invitae Variant Classification Sherloc (09022015). Collection method: clinical testing. Allele origin: germline.

Ambry Genetics
Classification: Likely benign for Inborn genetic diseases. Last evaluated: 2018-10-20. Review status: criteria provided, single submitter. Criteria: Ambry Variant Classification Scheme 2023. Collection method: clinical testing. Allele origin: germline.

Eurofins Ntd Llc (ga)
Classification: Benign. Last evaluated: 2013-08-20. Review status: criteria provided, single submitter. Criteria: EGL Classification Definitions 2015. Collection method: clinical testing. Allele origin: germline. Observed: 1 variant allele, 1 heterozygote.

PreventionGenetics, part of Exact Sciences
Classification: Likely benign for FOXP2-related condition. Last evaluated: 2023-12-18. Review status: no assertion criteria provided. Collection method: clinical testing. Allele origin: germline. Not counted in ClinVar's aggregate classification.
Comment: This variant is classified as likely benign based on ACMG/AMP sequence variant interpretation guidelines (Richards et al. 2015 PMID: 25741868, with internal and published modifications).

Literature cited by the submitters: PubMed 22738016 (cited by Ambry Genetics).

NM_014491.4(FOXP2):c.510ACA[4] (p.Gln191del)

Gene: FOXP2 (forkhead box P2; plus strand). Cytogenetic location: 7q31.1.
Variant type: Microsatellite.
Coding change: c.510ACA[4] on transcript NM_014491.4 (MANE Select); four copies in a row of the 3-base unit ACA starting at c.510; the reference has five copies in a row; one copy, 3 bases deleted; also written c.522_524del.
Protein change: p.Gln191del; deletes glutamine 191.
Molecular consequence: inframe deletion. On other transcripts: non-coding transcript variant (2).
Genome position (GRCh38, 1-based): chr7:114,629,930-114,629,932, ACA deleted; deleting any 3 consecutive bases within chr7:114,629,916-114,629,932 gives the same sequence; the position shown is the placement nearest the transcript's 3' end. VCF-style (leftmost placement, unchanged base first): chr7-114629915-GCAA-G. GRCh37 (hg19) VCF-style: chr7-114269970-GCAA-G.
Other names: c.522_524del (NM_014491.4, NM_014491.3); c.510ACA[4], p.Gln191del (NM_001172766.3, NM_148899.3); c.585ACA[4], p.Gln216del (NM_001172767.2, NM_148898.4); c.561ACA[4], p.Gln208del (NM_148900.4); short protein forms Q216del, Q191del, Q208del.
Identifiers: ClinVar variation 95608 (VCV000095608.20), dbSNP rs398124272, ClinGen allele CA148651.